The following is an entry in ClinVar:

ClinVar aggregate classification (germline): Uncertain significance (1 of 4 stars; one submission).

Submission:

GeneDx
Classification: Uncertain significance. Last evaluated: 2026-09-11. Review status: criteria provided, single submitter. Criteria: GeneDx Variant Classification Process June 2021. Collection method: clinical testing. Allele origin: germline.
Comment: In silico analysis supports that this missense variant has a deleterious effect on protein structure/function; Has not been previously published as pathogenic or benign to our knowledge

NM_024665.7(TBL1XR1):c.319C>G (p.Gln107Glu)

Gene: TBL1XR1 (TBL1X/Y related 1; minus strand). Cytogenetic location: 3q26.32.
Variant type: single nucleotide variant.
Coding change: c.319C>G on transcript NM_024665.7 (MANE Select); coding-DNA position 319, C replaced by G.
Protein change: p.Gln107Glu; replaces glutamine 107 with glutamic acid.
Molecular consequence: missense variant.
Genome position (GRCh38, 1-based): chr3:177,051,612, G>C on the plus strand (C>G on the coding strand, the complement: TBL1XR1 is on the minus strand). VCF-style: chr3-177051612-G-C. GRCh37 (hg19) VCF-style: chr3-176769400-G-C.
Other names: c.319C>G, p.Gln107Glu (NM_001321193.3, NM_001321194.3, NM_001374327.1 and 2 more transcripts); c.58C>G, p.Gln20Glu (NM_001321195.3, NM_001374330.1); short protein forms Q107E, Q20E.
Identifiers: ClinVar variation 3370762 (VCV003370762.3).